The following is an entry in ClinVar:

NM_014633.5(CTR9):c.3093A>C (p.Glu1031Asp)

Gene: CTR9 (CTR9 component of Paf1/RNA polymerase II complex; plus strand). Cytogenetic location: 11p15.4.
Variant type: single nucleotide variant.
Coding change: c.3093A>C on transcript NM_014633.5 (MANE Select); coding-DNA position 3093, A replaced by C.
Protein change: p.Glu1031Asp; replaces glutamic acid 1031 with aspartic acid.
Molecular consequence: missense variant.
Genome position (GRCh38, 1-based): chr11:10,775,631, A>C. VCF-style: chr11-10775631-A-C. GRCh37 (hg19) VCF-style: chr11-10797178-A-C.
Other names: c.3021A>C, p.Glu1007Asp (NM_001346279.2); short protein forms E1007D, E1031D.
Identifiers: ClinVar variation 5009861 (VCV005009861.1).

ClinVar aggregate classification (germline): Uncertain significance (1 of 4 stars; one submission).

Submission:

GeneDx
Classification: Uncertain significance. Last evaluated: 2026-02-20. Review status: criteria provided, single submitter. Criteria: GeneDx Variant Classification Process June 2021. Collection method: clinical testing. Allele origin: germline.
Comment: Not observed at significant frequency in large population cohorts (gnomAD); In silico analysis suggests that this missense variant does not alter protein structure/function; Has not been previously published as pathogenic or benign to our knowledge